The following is an entry in ClinVar:

ClinVar aggregate classification (germline): Likely benign (1 of 4 stars; one submission).

gnomAD v4.1: 297 of 1,613,914 alleles (0.018%); highest among the groups gnomAD compares: African/African-American, 0.16%; 2 homozygotes.

Submission:

CeGaT Center for Human Genetics Tuebingen
Classification: Likely benign. Last evaluated: 2026-08-01. Review status: criteria provided, single submitter. Criteria: CeGaT Center For Human Genetics Tuebingen Variant Classification Criteria Version 2. Collection method: clinical testing. Allele origin: germline. Affected: yes. Observed: 1 variant allele.
Comment: ANO1: BP4, BP7

NM_018043.7(ANO1):c.2676G>A (p.Ala892=)

Gene: ANO1 (anoctamin 1; plus strand). Cytogenetic location: 11q13.3.
Variant type: single nucleotide variant.
Coding change: c.2676G>A on transcript NM_018043.7 (MANE Select); coding-DNA position 2676, G replaced by A.
Protein change: p.Ala892=; no amino-acid change (alanine 892 retained).
Molecular consequence: synonymous variant. On other transcripts: non-coding transcript variant (1).
Genome position (GRCh38, 1-based): chr11:70,185,677, G>A. VCF-style: chr11-70185677-G-A. GRCh37 (hg19) VCF-style: chr11-70031783-G-A.
Other names: c.2865G>A, p.Ala955= (NM_001378092.1); c.2664G>A, p.Ala888= (NM_001378093.1, NM_001378094.2, NM_001378095.2); c.2586G>A, p.Ala862= (NM_001378096.2); c.2499G>A, p.Ala833= (NM_001378097.2).
Identifiers: ClinVar variation 5038548 (VCV005038548.1).